The following is an entry in ClinVar:

ClinVar aggregate classification (germline): Likely pathogenic. Review status: criteria provided, multiple submitters, no conflicts (2 of 4 stars). 2 submissions from 2 submitters: Likely pathogenic (2). Last evaluated 2025-07-14.

Conditions:
Peutz-Jeghers syndrome (PJS). Also called: POLYPOSIS, HAMARTOMATOUS INTESTINAL; POLYPS-AND-SPOTS SYNDROME; Peutz-Jeghers polyposis; Periorificial lentiginosis syndrome. Identifiers: Orphanet 2869, MedGen C0031269, MeSH D010580, MONDO:0008280, OMIM 175200.
Hereditary cancer-predisposing syndrome. Also called: Hereditary neoplastic syndrome; Tumor predisposition; Hereditary Cancer Syndrome; Neoplastic Syndromes, Hereditary. Identifiers: Orphanet 140162, MedGen C0027672, MeSH D009386, MONDO:0015356.

Submissions (2):

Ambry Genetics
Classification: Likely pathogenic for Hereditary cancer-predisposing syndrome. Last evaluated: 2025-07-14. Review status: criteria provided, single submitter. Criteria: Ambry Variant Classification Scheme 2023. Collection method: clinical testing. Allele origin: germline.
Comment: The c.541_543delAACinsGAA variant, located in coding exon 4 of the STK11 gene, results from an in-frame deletion of AAC and insertion of GAA at nucleotide positions 541 to 543. This results in the substitution of the asparagine residue for a glutamic acid residue at codon 181, an amino acid with highly similar properties. This variant was reported in individual(s) with features consistent with Peutz-Jeghers syndrome (Amos CI et al. J. Med. Genet. 2004 May;41:327-33; Ambry internal data). Based on an internal structural assessment, this alteration disrupts MgATP binding and activation (Ambry internal data; Zeqiraj E et al. Science, 2009 Dec;326:1707-11). This variant was not reported in population-based cohorts in the Genome Aggregation Database (gnomAD). This amino acid position is highly conserved in available vertebrate species. In addition, this alteration is predicted to be deleterious by in silico analysis (Choi Y et al. PLoS ONE. 2012; 7(10):e46688). Based on the majority of available evidence to date, this variant is likely to be pathogenic.

Labcorp Genetics (formerly Invitae), Labcorp
Classification: Likely pathogenic for Peutz-Jeghers syndrome. Last evaluated: 2019-02-16. Review status: criteria provided, single submitter. Criteria: Invitae Variant Classification Sherloc (09022015). Collection method: clinical testing. Allele origin: germline.
Comment: In summary, the currently available evidence indicates that the variant is pathogenic, but additional data are needed to prove that conclusively. Therefore, this variant has been classified as Likely Pathogenic. This variant disrupts the p.Asn181 amino acid residue in STK11. Other variant(s) that disrupt this residue have been observed in individuals with STK11-related conditions (PMID: 9887330, 10623683, Invitae), suggesting that it is a clinically significant residue. As a result, variants that disrupt this residue are likely to be causative of disease. Algorithms developed to predict the effect of missense changes on protein structure and function (SIFT, PolyPhen-2, Align-GVGD) all suggest that this variant is likely to be disruptive, but these predictions have not been confirmed by published functional studies and their clinical significance is uncertain. This variant has been observed in individuals affected with clinical features of Peutz-Jeghers syndrome (PMID: 15121768, Invitae). ClinVar contains an entry for this variant (Variation ID: 254238). This variant is not present in population databases (ExAC no frequency). This sequence change replaces asparagine with glutamic acid at codon 181 of the STK11 protein (p.Asn181Asp). The asparagine residue is highly conserved and there is a small physicochemical difference between asparagine and glutamic acid.

Literature cited by the submitters: PubMed 15121768 (cited by Ambry Genetics and Labcorp Genetics (formerly Invitae), Labcorp); PubMed 19892943 (cited by Ambry Genetics); PubMed 9887330 (cited by Labcorp Genetics (formerly Invitae), Labcorp); PubMed 10623683 (cited by Labcorp Genetics (formerly Invitae), Labcorp).

NM_000455.5(STK11):c.541_543delinsGAA (p.Asn181Glu)

Gene: STK11 (serine/threonine kinase 11; plus strand). Cytogenetic location: 19p13.3.
Variant type: Indel.
Coding change: c.541_543delinsGAA on transcript NM_000455.5 (MANE Select); coding-DNA positions 541 to 543, AAC replaced by GAA.
Protein change: p.Asn181Glu; replaces asparagine 181 with glutamic acid.
Molecular consequence: missense variant.
Genome position (GRCh38, 1-based): chr19:1,220,449-1,220,451, AAC replaced by GAA. VCF-style: chr19-1220449-AAC-GAA. GRCh37 (hg19) VCF-style: chr19-1220448-AAC-GAA.
Other names: c.541_543delAACinsGAA, p.Asn181Glu (NM_001407255.1); short protein forms N181E.
Identifiers: ClinVar variation 576260 (VCV000576260.10), dbSNP rs1568707668, ClinGen allele CA891844255.